The following is an entry in ClinVar:

NM_170707.4(LMNA):c.640-7del

Gene: LMNA (lamin A/C; plus strand). Cytogenetic location: 1q22.
Variant type: Deletion.
Coding change: c.640-7del on transcript NM_170707.4 (MANE Select); 7 bases into the intron before coding-DNA position 640, one base deleted (C; older notation c.640-7delC).
Molecular consequence: intron variant.
Genome position (GRCh38, 1-based): chr1:156,134,798, C deleted; the last of 3 consecutive C bases (chr1:156,134,796-156,134,798); deleting any one gives the same sequence. VCF-style (leftmost placement, unchanged base first): chr1-156134795-AC-A. GRCh37 (hg19) VCF-style: chr1-156104586-AC-A.
Other names: c.-25-7del (NM_001406994.1, NM_001407000.1, NM_001407001.1 and 1 more transcripts); c.397-7del (NM_001406986.1, NM_001282624.2, NM_001406987.1); c.640-7del (NM_001406985.1, NM_001282626.2, NM_170708.4 and 6 more transcripts); c.82-7del (NM_001406995.1, NM_001406996.1, NM_001406990.1 and 4 more transcripts); c.304-7del (NM_001406989.1, NM_001257374.3, NM_001406998.1); c.343-7del (NM_001406988.1).
Identifiers: ClinVar variation 3070767 (VCV003070767.1), dbSNP rs2527971750, ClinGen allele CA2825000853.
Genomic context (GRCh38, chr1:156,134,795, plus strand): 5'-CCCCTGGGTCTTGGCCTCCCAGGAACTAATTCTGATTTTGGTTTCTGTGTCCTTCCTCCA[AC>A]CCTTCCAGGAGCTGCGTGAGACCAAGCGCCGTCATGAGACCCGACTGGTGGAGATTGACA-3'

ClinVar aggregate classification (germline): Likely benign (1 of 4 stars; one submission).

Conditions:
Primary dilated cardiomyopathy (DCM). Also called: Dilated Cardiomyopathy. Identifiers: Orphanet 217604, MedGen C0007193, MeSH D002311, MONDO:0005021, HP:0001644. Inheritance: Various modes of inheritance.

Submission:

All of Us Research Program, National Institutes of Health
Classification: Likely benign for Primary dilated cardiomyopathy. Last evaluated: 2023-05-04. Review status: criteria provided, single submitter. Criteria: ACMG Guidelines, 2015. Collection method: clinical testing. Allele origin: germline. Inheritance: Autosomal dominant inheritance. Observed: 1 variant allele, 1 heterozygote.
Comment: This study involves interpretation of variants in research participants for the purpose of population health screening. Participant phenotype was not available at the time of variant classification. Additional details can be found in publication PMID: 35346344, PMCID: PMC8962531